The following is an entry in ClinVar:

NM_001371727.1(GABRB2):c.851C>T (p.Thr284Ile)

Gene: GABRB2 (gamma-aminobutyric acid type A receptor subunit beta2; minus strand). Cytogenetic location: 5q34.
Variant type: single nucleotide variant.
Coding change: c.851C>T on transcript NM_001371727.1 (MANE Select); coding-DNA position 851, C replaced by T.
Protein change: p.Thr284Ile; replaces threonine 284 with isoleucine.
Molecular consequence: missense variant.
Genome position (GRCh38, 1-based): chr5:161,331,109, G>A on the plus strand (C>T on the coding strand, the complement: GABRB2 is on the minus strand). VCF-style: chr5-161331109-G-A. GRCh37 (hg19) VCF-style: chr5-160758116-G-A.
Other names: c.851C>T, p.Thr284Ile (NM_000813.3, NM_021911.3); short protein forms T284I.
Identifiers: ClinVar variation 3635564 (VCV003635564.3).
Genomic context (GRCh38, chr5:161,331,109, plus strand): 5'-GCCTTCACATAGGGGATTTTAGGGAGAGTTTCCCGGAGGTGGGTGTTGATTGTGGTCATT[G>A]TGAGGACAGTTGTGATTCCTGAAAAAAAATGGGAGAGTTAGAGTAATAATGTTCCTATCT-3'
Protein context (NP_001358656.1, residues 274-294): RVALGITTVL[Thr284Ile]MTTINTHLRE

ClinVar aggregate classification (germline): Pathogenic/Likely pathogenic. Review status: criteria provided, multiple submitters, no conflicts (2 of 4 stars). 2 submissions from 2 submitters: Pathogenic (1); Likely pathogenic (1). Last evaluated 2024-05-01.

Conditions:
Intellectual disability. Also called: Intellectual developmental disorder; Intellectual functioning disability; intellectual disabilities. Identifiers: MedGen C3714756, MeSH D008607, MONDO:0001071, HP:0001249.
GABRB2-related disorders.

Submissions (2):

Labcorp Genetics (formerly Invitae), Labcorp
Classification: Pathogenic for Intellectual disability. Last evaluated: 2024-05-01. Review status: criteria provided, single submitter. Criteria: Invitae Variant Classification Sherloc (09022015). Collection method: clinical testing. Allele origin: germline.
Comment: This sequence change replaces threonine, which is neutral and polar, with isoleucine, which is neutral and non-polar, at codon 284 of the GABRB2 protein (p.Thr284Ile). This variant is not present in population databases (gnomAD no frequency). This missense change has been observed in individual(s) with clinical features of GABRB2-related conditions (Invitae). In at least one individual the variant was observed to be de novo. Advanced modeling of protein sequence and biophysical properties (such as structural, functional, and spatial information, amino acid conservation, physicochemical variation, residue mobility, and thermodynamic stability) has been performed at Invitae for this missense variant, however the output from this modeling did not meet the statistical confidence thresholds required to predict the impact of this variant on GABRB2 protein function. This variant disrupts the p.Thr284 amino acid residue in GABRB2. Other variant(s) that disrupt this residue have been determined to be pathogenic (PMID: 29100083). This suggests that this residue is clinically significant, and that variants that disrupt this residue are likely to be disease-causing. For these reasons, this variant has been classified as Pathogenic.

Blueprint Genetics
Classification: Likely pathogenic for GABRB2-related disorders. Last evaluated: 2018-05-17. Review status: criteria provided, single submitter. Criteria: ACMG Guidelines, 2015. Collection method: clinical testing. Allele origin: germline. Affected: yes. Observed: 1 variant allele.

Literature cited by the submitters: PubMed 29100083 (cited by Labcorp Genetics (formerly Invitae), Labcorp).